The following is an entry in ClinVar:

NM_001042432.2(CLN3):c.374G>A (p.Ser125Asn)

Gene: CLN3 (CLN3 lysosomal/endosomal transmembrane protein, battenin; minus strand). Cytogenetic location: 16p12.1.
Variant type: single nucleotide variant.
Coding change: c.374G>A on transcript NM_001042432.2 (MANE Select); coding-DNA position 374, G replaced by A.
Protein change: p.Ser125Asn; replaces serine 125 with asparagine.
Molecular consequence: missense variant. On other transcripts: intron variant (1).
Genome position (GRCh38, 1-based): chr16:28,487,662, C>T on the plus strand (G>A on the coding strand, the complement: CLN3 is on the minus strand). VCF-style: chr16-28487662-C-T. GRCh37 (hg19) VCF-style: chr16-28498983-C-T.
Other names: c.374G>A, p.Ser125Asn (NM_000086.2); c.302G>A, p.Ser101Asn (NM_001286104.2); c.140G>A, p.Ser47Asn (NM_001286109.2); c.212G>A, p.Ser71Asn (NM_001286110.2); c.75-121G>A (NM_001286105.2); short protein forms S125N, S101N, S47N, S71N.
Identifiers: ClinVar variation 56265 (VCV000056265.6), dbSNP rs386833716, ClinGen allele CA263661.
Genomic context (GRCh38, chr16:28,487,662, plus strand): 5'-ATCCCAGCCTCCCCTTTCTCAGCTCCTGCCCACCCTGCCTCCCACTACCCTCACCCAGAC[C>T]TGTAGGGCAGCAGGTGAAGGCCAAGAGGAGCCAACAATTTGATGACGAGTGTGGGGAGGA-3'
Protein context (NP_001035897.1, residues 115-135): APLGLHLLPY[Ser125Asn]PRVLVSGICA

ClinVar aggregate classification (germline): Uncertain significance. Review status: criteria provided, single submitter (1 of 4 stars). 2 submissions from 2 submitters: Uncertain significance (1). 1 of the submissions does not count toward it. Last evaluated 2021-09-01.

Conditions:
Neuronal ceroid lipofuscinosis. Also called: Neuronal Ceroid Lipofuscinoses. Identifiers: Orphanet 216, Orphanet 79263, MedGen C0027877, MONDO:0016295. Disease mechanism: loss of function.
Neuronal ceroid lipofuscinosis 3 (CLN3). Identifiers: Orphanet 228346, MedGen C0751383, MONDO:0008767, OMIM 204200.

Allele frequency attached by ClinVar (database versions not stated): gnomAD exomes below 0.00001 and 0.00001; TOPMed 0.00001.
gnomAD v4.1: 8 of 1,613,514 alleles (0.0005%); highest among the groups gnomAD compares: Admixed American, 0.0017%; no homozygotes.

Submissions (2):

Labcorp Genetics (formerly Invitae), Labcorp
Classification: Uncertain significance for Neuronal ceroid lipofuscinosis. Last evaluated: 2021-09-01. Review status: criteria provided, single submitter. Criteria: Invitae Variant Classification Sherloc (09022015). Collection method: clinical testing. Allele origin: germline.
Comment: This sequence change replaces serine with asparagine at codon 125 of the CLN3 protein (p.Ser125Asn). The serine residue is moderately conserved and there is a small physicochemical difference between serine and asparagine. This variant also falls at the last nucleotide of exon 6, which is part of the consensus splice site for this exon. This variant is not present in population databases (ExAC no frequency). This missense change has been observed in individual(s) with neuronal ceroid lipofuscinosis (PMID: 21499717). ClinVar contains an entry for this variant (Variation ID: 56265). Algorithms developed to predict the effect of missense changes on protein structure and function are either unavailable or do not agree on the potential impact of this missense change (SIFT: "Tolerated"; PolyPhen-2: "Possibly Damaging"; Align-GVGD: "Class C0"). Variants that disrupt the consensus splice site are a relatively common cause of aberrant splicing (PMID: 17576681, 9536098). Algorithms developed to predict the effect of sequence changes on RNA splicing suggest that this variant may disrupt the consensus splice site. In summary, the available evidence is currently insufficient to determine the role of this variant in disease. Therefore, it has been classified as a Variant of Uncertain Significance.

Juha Muilu Group; Institute for Molecular Medicine Finland (FIMM)
Classification: Likely pathogenic for Juvenile neuronal ceroid lipofuscinosis. Review status: no assertion criteria provided. Collection method: not provided. Allele origin: unknown. Not counted in ClinVar's aggregate classification.
Comment: FinDis database variant: This variant was not found or characterized by our laboratory, data were collected from public sources: see reference
ClinVar note: Converted during submission from probable-pathogenic to Likely pathogenic.

Literature cited by the submitters: PubMed 21499717 (cited by Labcorp Genetics (formerly Invitae), Labcorp); PubMed 17576681 (cited by Labcorp Genetics (formerly Invitae), Labcorp); PubMed 9536098 (cited by Labcorp Genetics (formerly Invitae), Labcorp).